The following is an entry in ClinVar:

ClinVar aggregate classification (germline): Uncertain significance (0 of 4 stars; one submission).

Conditions:
CDH2-related disorder. Also called: CDH2-related condition.

Submission:

PreventionGenetics, part of Exact Sciences
Classification: Uncertain significance for CDH2-related condition. Last evaluated: 2024-03-20. Review status: no assertion criteria provided. Collection method: clinical testing. Allele origin: germline.
Comment: The CDH2 c.2579A>G variant is predicted to result in the amino acid substitution p.Tyr860Cys. To our knowledge, this variant has not been reported in the literature or in a large population database, indicating this variant is rare. At this time, the clinical significance of this variant is uncertain due to the absence of conclusive functional and genetic evidence.

NM_001792.5(CDH2):c.2579A>G (p.Tyr860Cys)

Genes: CDH2 (cadherin 2; minus strand), CDH2-AS1 (CDH2 antisense RNA 1; plus strand). Cytogenetic location: 18q12.1.
Variant type: single nucleotide variant.
Coding change: c.2579A>G on transcript NM_001792.5 (MANE Select); coding-DNA position 2579, A replaced by G.
Protein change: p.Tyr860Cys; replaces tyrosine 860 with cysteine.
Molecular consequence: missense variant.
Genome position (GRCh38, 1-based): chr18:27,952,295, T>C on the plus strand (A>G on the coding strand, the complement: CDH2 is on the minus strand). VCF-style: chr18-27952295-T-C. GRCh37 (hg19) VCF-style: chr18-25532259-T-C.
Other names: c.2486A>G, p.Tyr829Cys (NM_001308176.2); short protein forms Y829C, Y860C.
Identifiers: ClinVar variation 3348248 (VCV003348248.1).